The following is an entry in ClinVar:

ClinVar aggregate classification (germline): Likely benign. Review status: criteria provided, multiple submitters, no conflicts (2 of 4 stars). 3 submissions from 3 submitters: Likely benign (3). Last evaluated 2023-11-20.

Conditions:
Catecholaminergic polymorphic ventricular tachycardia (CVPT). Also called: Catecholamine-induced polymorphic ventricular tachycardia. Identifiers: Orphanet 3286, MedGen C5574922, MONDO:0017990.
Cardiomyopathy (CMYO). Also called: Cardiomyopathies. Identifiers: Orphanet 167848, MedGen C0878544, MONDO:0004994, HP:0001638. Inheritance: Various modes of inheritance.

Allele frequency attached by ClinVar (database versions not stated): gnomAD exomes below 0.00001 and 0.00001.
gnomAD v4.1: 2 of 1,609,928 alleles (0.00012%); highest among the groups gnomAD compares: Admixed American, 0.0033%; no homozygotes.

Submissions (3):

All of Us Research Program, National Institutes of Health
Classification: Likely benign for Catecholaminergic polymorphic ventricular tachycardia. Last evaluated: 2023-11-20. Review status: criteria provided, single submitter. Criteria: ACMG Guidelines, 2015. Collection method: clinical testing. Allele origin: germline. Inheritance: Autosomal dominant inheritance. Observed: 1 variant allele, 1 heterozygote.
Comment: This study involves interpretation of variants in research participants for the purpose of population health screening. Participant phenotype was not available at the time of variant classification. Additional details can be found in publication PMID: 35346344, PMCID: PMC8962531

Color Diagnostics, LLC DBA Color Health
Classification: Likely benign for Cardiomyopathy. Last evaluated: 2022-04-06. Review status: criteria provided, single submitter. Criteria: ACMG Guidelines, 2015. Collection method: clinical testing. Allele origin: germline.

Labcorp Genetics (formerly Invitae), Labcorp
Classification: Likely benign for Catecholaminergic polymorphic ventricular tachycardia 1. Last evaluated: 2021-05-21. Review status: criteria provided, single submitter. Criteria: Invitae Variant Classification Sherloc (09022015). Collection method: clinical testing. Allele origin: germline.

NM_001035.3(RYR2):c.14826G>A (p.Lys4942=)

Gene: RYR2 (ryanodine receptor 2; plus strand). Cytogenetic location: 1q43.
Variant type: single nucleotide variant.
Coding change: c.14826G>A on transcript NM_001035.3 (MANE Select); coding-DNA position 14826, G replaced by A.
Protein change: p.Lys4942=; no amino-acid change (lysine 4942 retained).
Molecular consequence: synonymous variant.
Genome position (GRCh38, 1-based): chr1:237,832,569, G>A. VCF-style: chr1-237832569-G-A. GRCh37 (hg19) VCF-style: chr1-237995869-G-A.
Identifiers: ClinVar variation 1484708 (VCV001484708.7), dbSNP rs1379152907, ClinGen allele CA068681.
Genomic context (GRCh38, chr1:237,832,569, plus strand): 5'-ACACTTTGGGGAAAATGTTAATACATTTCCTTGACTTTTGCAGGAATCTTATGTCTGGAA[G>A]ATGTATCAAGAAAGGTGTTGGGAATTTTTCCCAGCAGGGGATTGCTTCCGGAAACAGTAT-3'
Protein context (NP_001026.2, residues 4932-4952): EHTGQESYVW[Lys4942=]MYQERCWEFF